The following is an entry in ClinVar:

ClinVar aggregate classification (germline): Pathogenic (1 of 4 stars; one submission).

Submission:

Labcorp Genetics (formerly Invitae), Labcorp
Classification: Pathogenic. Last evaluated: 2023-01-26. Review status: criteria provided, single submitter. Criteria: Invitae Variant Classification Sherloc (09022015). Collection method: clinical testing. Allele origin: germline.
Comment: This sequence change creates a premature translational stop signal (p.Lys1928Serfs*21) in the POLE gene. It is expected to result in an absent or disrupted protein product. Loss-of-function variants in POLE are known to be pathogenic (PMID: 23230001, 25948378, 30503519). This variant is not present in population databases (gnomAD no frequency). This variant has not been reported in the literature in individuals affected with POLE-related conditions. ClinVar contains an entry for this variant (Variation ID: 649106). For these reasons, this variant has been classified as Pathogenic.

Literature cited by the submitters: PubMed 23230001; PubMed 25948378; PubMed 30503519.

NM_006231.4(POLE):c.5783_5784del (p.Lys1928fs)

Gene: POLE (DNA polymerase epsilon, catalytic subunit; minus strand). Cytogenetic location: 12q24.33.
Variant type: Deletion.
Coding change: c.5783_5784del on transcript NM_006231.4 (MANE Select); coding-DNA positions 5783 to 5784, 2 bases deleted (AA; older notation c.5783_5784delAA).
Protein change: p.Lys1928fs; shifts the reading frame from lysine 1928.
Molecular consequence: frameshift variant.
Genome position (GRCh38, 1-based): chr12:132,635,919-132,635,920, TT deleted on the plus strand (AA on the coding strand, the reverse complement: POLE is on the minus strand); deleting any 2 consecutive bases within chr12:132,635,919-132,635,922 gives the same sequence; the c. name uses the placement nearest the transcript's 3' end. VCF-style (leftmost placement, unchanged base first): chr12-132635918-CTT-C. GRCh37 (hg19) VCF-style: chr12-133212504-CTT-C.
Other names: c.5783_5784delAA (NM_006231.3); short protein forms K1928fs.
Identifiers: ClinVar variation 649106 (VCV000649106.8), dbSNP rs1593715351, ClinGen allele CA915946802.
Genomic context (GRCh38, chr12:132,635,918, plus strand): 5'-AGCTGGCTCGGGTGCCACACTGCAGCTCGCTTACCAGTCCACAGTGAATACGAGATGAAA[CTT>C]TTCCTTTGATTCCGCCATAGTTAGATGGATCCATCCAGAGAAGAAATTCCCAGCATCGAG-3'